The following is an entry in ClinVar:

NM_020708.5(SLC12A5):c.2725A>G (p.Met909Val)

Gene: SLC12A5 (solute carrier family 12 member 5; plus strand). Cytogenetic location: 20q13.12.
Variant type: single nucleotide variant.
Coding change: c.2725A>G on transcript NM_020708.5 (MANE Select); coding-DNA position 2725, A replaced by G.
Protein change: p.Met909Val; replaces methionine 909 with valine.
Molecular consequence: missense variant.
Genome position (GRCh38, 1-based): chr20:46,054,961, A>G. VCF-style: chr20-46054961-A-G. GRCh37 (hg19) VCF-style: chr20-44683600-A-G.
Other names: c.2794A>G, p.Met932Val (NM_001134771.2); short protein forms M932V, M909V.
Identifiers: ClinVar variation 2536180 (VCV002536180.2), dbSNP rs2515652342, ClinGen allele CA409207124.
Genomic context (GRCh38, chr20:46,054,961, plus strand): 5'-TCTGTCTGCCCACAGCATGAGAGCGACATCTCAGCTTACACCTATGAGAAGACGTTGGTG[A>G]TGGAGCAGCGTTCCCAGATCCTCAAACAGATGCATTTAACCAAGAATGAGCGGGAGCGGG-3'
Protein context (NP_065759.1, residues 899-919): SAYTYEKTLV[Met909Val]EQRSQILKQM

ClinVar aggregate classification (germline): Uncertain significance (1 of 4 stars; one submission).

Submission:

Ambry Genetics
Classification: Uncertain significance. Last evaluated: 2023-04-11. Review status: criteria provided, single submitter. Criteria: Ambry Variant Classification Scheme 2023. Collection method: clinical testing. Allele origin: germline.
Comment: The c.2794A>G (p.M932V) alteration is located in exon 21 (coding exon 21) of the SLC12A5 gene. This alteration results from an A to G substitution at nucleotide position 2794, causing the methionine (M) at amino acid position 932 to be replaced by a valine (V). This variant was not reported in population-based cohorts in the Genome Aggregation Database (gnomAD). This amino acid position is highly conserved in available vertebrate species. The in silico prediction for this alteration is inconclusive. Based on insufficient or conflicting evidence, the clinical significance of this alteration remains unclear.